The following is an entry in ClinVar:

ClinVar aggregate classification (germline): Conflicting classifications of pathogenicity. Review status: criteria provided, conflicting classifications (1 of 4 stars). 4 submissions from 4 submitters: Uncertain significance (1); Benign (1); Likely benign (2). Last evaluated 2026-01-28.

Conditions:
Congenital muscular hypertrophy-cerebral syndrome (CDLS2). Also called: SMC1A-Related Cornelia de Lange Syndrome; Cornelia de Lange syndrome 2. Identifiers: Orphanet 199, MedGen C1802395, MONDO:0010370, OMIM 300590.

Allele frequency attached by ClinVar (database versions not stated): TOPMed 0.00007; gnomAD exomes 0.00011 and 0.00020; ExAC 0.00012; gnomAD 0.00012; 1000 Genomes Project 0.00026; 1000 Genomes Project 30x 0.00042.
gnomAD v4.1: 232 of 1,209,428 alleles (0.019%); highest among the groups gnomAD compares: Non-Finnish European, 0.025%; no homozygotes.

Submissions (4):

Labcorp Genetics (formerly Invitae), Labcorp
Classification: Benign for Congenital muscular hypertrophy-cerebral syndrome. Last evaluated: 2026-01-28. Review status: criteria provided, single submitter. Criteria: Invitae Variant Classification Sherloc (09022015). Collection method: clinical testing. Allele origin: germline.

CeGaT Center for Human Genetics Tuebingen
Classification: Likely benign. Last evaluated: 2024-09-01. Review status: criteria provided, single submitter. Criteria: CeGaT Center For Human Genetics Tuebingen Variant Classification Criteria Version 2. Collection method: clinical testing. Allele origin: germline. Affected: yes. Observed: 1 variant allele.
Comment: SMC1A: BP4, BP7, BS2

Blueprint Genetics
Classification: Likely benign. Last evaluated: 2022-10-04. Review status: criteria provided, single submitter. Criteria: ACMG Guidelines, 2015. Collection method: clinical testing. Allele origin: germline.

Eurofins Ntd Llc (ga)
Classification: Uncertain significance. Last evaluated: 2013-12-17. Review status: criteria provided, single submitter. Criteria: EGL Classification Definitions 2015. Collection method: clinical testing. Allele origin: germline. Observed: 1 variant allele, 1 heterozygote.

NM_006306.4(SMC1A):c.861G>A (p.Lys287=)

Gene: SMC1A (structural maintenance of chromosomes 1A; minus strand). Cytogenetic location: Xp11.22.
Variant type: single nucleotide variant.
Coding change: c.861G>A on transcript NM_006306.4 (MANE Select); coding-DNA position 861, G replaced by A.
Protein change: p.Lys287=; no amino-acid change (lysine 287 retained).
Molecular consequence: synonymous variant.
Genome position (GRCh38, 1-based): chrX:53,412,247, C>T on the plus strand (G>A on the coding strand, the complement: SMC1A is on the minus strand). VCF-style: chrX-53412247-C-T. GRCh37 (hg19) VCF-style: chrX-53439197-C-T.
Other names: c.795G>A, p.Lys265= (NM_001281463.1).
Identifiers: ClinVar variation 167706 (VCV000167706.28), dbSNP rs782543093, ClinGen allele CA234962.